The following is an entry in ClinVar:

ClinVar aggregate classification (germline): Uncertain significance (1 of 4 stars; one submission).

Conditions:
Perlman syndrome (PRLMNS). Identifiers: Orphanet 2849, MedGen C0796113, MONDO:0009965, OMIM 267000.

gnomAD v4.1: 1 of 1,564,602 alleles (0.000064%); highest among the groups gnomAD compares: African/African-American, 0.0014%; no homozygotes.

Submission:

Labcorp Genetics (formerly Invitae), Labcorp
Classification: Uncertain significance for Perlman syndrome. Last evaluated: 2023-05-15. Review status: criteria provided, single submitter. Criteria: Invitae Variant Classification Sherloc (09022015). Collection method: clinical testing. Allele origin: germline.
Comment: In summary, the available evidence is currently insufficient to determine the role of this variant in disease. Therefore, it has been classified as a Variant of Uncertain Significance. Advanced modeling of protein sequence and biophysical properties (such as structural, functional, and spatial information, amino acid conservation, physicochemical variation, residue mobility, and thermodynamic stability) performed at Invitae indicates that this missense variant is expected to disrupt DIS3L2 protein function. ClinVar contains an entry for this variant (Variation ID: 957499). This variant has not been reported in the literature in individuals affected with DIS3L2-related conditions. This variant is not present in population databases (gnomAD no frequency). This sequence change replaces alanine, which is neutral and non-polar, with aspartic acid, which is acidic and polar, at codon 83 of the DIS3L2 protein (p.Ala83Asp).

NM_152383.5(DIS3L2):c.248C>A (p.Ala83Asp)

Gene: DIS3L2 (DIS3 like 3'-5' exoribonuclease 2; plus strand). Cytogenetic location: 2q37.1.
Variant type: single nucleotide variant.
Coding change: c.248C>A on transcript NM_152383.5 (MANE Select); coding-DNA position 248, C replaced by A.
Protein change: p.Ala83Asp; replaces alanine 83 with aspartic acid.
Molecular consequence: missense variant. On other transcripts: non-coding transcript variant (2).
Genome position (GRCh38, 1-based): chr2:232,024,314, C>A. VCF-style: chr2-232024314-C-A. GRCh37 (hg19) VCF-style: chr2-232889024-C-A.
Other names: c.248C>A, p.Ala83Asp (NM_001257281.2, NM_001257282.2); short protein forms A83D.
Identifiers: ClinVar variation 957499 (VCV000957499.9), dbSNP rs113426398, ClinGen allele CA351152796.